The following is an entry in ClinVar:

NM_000064.4(C3):c.3281C>A (p.Ala1094Asp)

Gene: C3 (complement C3; minus strand). Cytogenetic location: 19p13.3.
Variant type: single nucleotide variant.
Coding change: c.3281C>A on transcript NM_000064.4 (MANE Select); coding-DNA position 3281, C replaced by A.
Protein change: p.Ala1094Asp; replaces alanine 1094 with aspartic acid.
Molecular consequence: missense variant.
Genome position (GRCh38, 1-based): chr19:6,693,033, G>T on the plus strand (C>A on the coding strand, the complement: C3 is on the minus strand). VCF-style: chr19-6693033-G-T. GRCh37 (hg19) VCF-style: chr19-6693044-G-T.
Other names: short protein forms A1094D.
Identifiers: ClinVar variation 4280193 (VCV004280193.1).

ClinVar aggregate classification (germline): Likely pathogenic (1 of 4 stars; one submission).

Conditions:
Atypical hemolytic-uremic syndrome. Identifiers: Orphanet 2134, MedGen C2931788, MONDO:0016244.

Submission:

Genomenon, Inc
Classification: Likely pathogenic for Atypical hemolytic-uremic syndrome. Last evaluated: 2025-09-30. Review status: criteria provided, single submitter. Criteria: Genomenon Sequence Variant Interpretation Standards. Collection method: curation. Allele origin: germline. Affected: yes.
Comment: C3 p.Ala1094Asp (c.3281C>A) is a missense variant that changes the amino acid at residue 1094 from Alanine to Aspartic acid. This variant has been observed in at least one proband affected with atypical hemolytic-uremic syndrome (PMID:25608561). At least one functional study has demonstrated a substantial alteration in protein function relative to the wild-type (PMID:25608561). It is absent or not present at a significant frequency in gnomAD. In silico models agree that this variant is possibly or probably damaging. In conclusion, we classify C3 p.Ala1094Asp (c.3281C>A) as a likely pathogenic variant.

Literature cited by the submitters: PubMed 25608561.